The following is an entry in ClinVar:

ClinVar aggregate classification (germline): Likely benign (0 of 4 stars; one submission).

Conditions:
JARID2-related disorder. Also called: JARID2-related condition.

Allele frequency attached by ClinVar (database versions not stated): gnomAD 0.00005; TOPMed 0.00005.
gnomAD v4.1: 70 of 1,611,052 alleles (0.0043%); highest among the groups gnomAD compares: Non-Finnish European, 0.0052%; no homozygotes.

Submission:

PreventionGenetics, part of Exact Sciences
Classification: Likely benign for JARID2-related condition. Last evaluated: 2019-08-14. Review status: no assertion criteria provided. Collection method: clinical testing. Allele origin: germline.
Comment: This variant is classified as likely benign based on ACMG/AMP sequence variant interpretation guidelines (Richards et al. 2015 PMID: 25741868, with internal and published modifications).

NM_004973.4(JARID2):c.2658G>A (p.Ser886=)

Gene: JARID2 (jumonji and AT-rich interaction domain containing 2; plus strand). Cytogenetic location: 6p22.3.
Variant type: single nucleotide variant.
Coding change: c.2658G>A on transcript NM_004973.4 (MANE Select); coding-DNA position 2658, G replaced by A.
Protein change: p.Ser886=; no amino-acid change (serine 886 retained).
Molecular consequence: synonymous variant.
Genome position (GRCh38, 1-based): chr6:15,507,252, G>A. VCF-style: chr6-15507252-G-A. GRCh37 (hg19) VCF-style: chr6-15507483-G-A.
Other names: c.2142G>A, p.Ser714= (NM_001267040.1).
Identifiers: ClinVar variation 3053686 (VCV003053686.2), dbSNP rs547497965, ClinGen allele CA3643193.
Genomic context (GRCh38, chr6:15,507,252, plus strand): 5'-CAAGGTGGACACCAACACTCACGGCAGTGGATTCCCAGTAGGAAAATCAGAACCCTTTTC[G>A]AGGTAACCTGGGATTCTCTCGTCCAGGTTCTTGGGGATGTGACTGCATCCTTTCCCCGCC-3'
Protein context (NP_004964.2, residues 876-896): GFPVGKSEPF[Ser886=]RHGWNLTVLP